The following is an entry in ClinVar:

ClinVar aggregate classification (germline): Benign. Review status: criteria provided, multiple submitters, no conflicts (2 of 4 stars). 3 submissions from 3 submitters: Benign (2). 1 of the submissions does not count toward it. Last evaluated 2019-12-31.

Conditions:
PXDNL-related disorder. Also called: PXDNL-related condition.

Allele frequency attached by ClinVar (database versions not stated): gnomAD exomes 0.00088 and 0.00256; ExAC 0.00279; ESP Exome Variant Server 0.01011; gnomAD 0.01025 and 0.01092; TOPMed 0.01186; 1000 Genomes Project 0.01238; 1000 Genomes Project 30x 0.01312.
gnomAD v4.1: 2,931 of 1,613,856 alleles (0.18%); highest among the groups gnomAD compares: African/African-American, 3.4%; 50 homozygotes.

Submissions (3):

Labcorp Genetics (formerly Invitae), Labcorp
Classification: Benign. Last evaluated: 2019-12-31. Review status: criteria provided, single submitter. Criteria: Invitae Variant Classification Sherloc (09022015). Collection method: clinical testing. Allele origin: germline.

Breakthrough Genomics
Classification: Benign. Review status: criteria provided, single submitter. Criteria: ACMG Guidelines, 2015. Collection method: not provided. Allele origin: germline. Inheritance: Unknown mechanism. Affected: yes.

PreventionGenetics, part of Exact Sciences
Classification: Benign for PXDNL-related condition. Last evaluated: 2019-12-11. Review status: no assertion criteria provided. Collection method: clinical testing. Allele origin: germline. Not counted in ClinVar's aggregate classification.
Comment: This variant is classified as benign based on ACMG/AMP sequence variant interpretation guidelines (Richards et al. 2015 PMID: 25741868, with internal and published modifications).

NM_144651.5(PXDNL):c.3619C>T (p.Pro1207Ser)

Gene: PXDNL (peroxidasin like; minus strand). Cytogenetic location: 8q11.22.
Variant type: single nucleotide variant.
Coding change: c.3619C>T on transcript NM_144651.5 (MANE Select); coding-DNA position 3619, C replaced by T.
Protein change: p.Pro1207Ser; replaces proline 1207 with serine.
Molecular consequence: missense variant.
Genome position (GRCh38, 1-based): chr8:51,374,670, G>A on the plus strand (C>T on the coding strand, the complement: PXDNL is on the minus strand). VCF-style: chr8-51374670-G-A. GRCh37 (hg19) VCF-style: chr8-52287230-G-A.
Other names: short protein forms P1207S.
Identifiers: ClinVar variation 792107 (VCV000792107.7), dbSNP rs28407367, ClinGen allele CA4744755.
Genomic context (GRCh38, chr8:51,374,670, plus strand): 5'-TTAGCCGCTGAAACTGGGTAACAAACAGGCACATAAGTGTTGGTCCCACTCTTGTACCAG[G>A]AATCAGGTCTTCAACCATAAGGGCGGGCCAGAGGTCAATGTCACCTGGAGAGCCGTACAA-3'
Protein context (NP_653252.4, residues 1197-1217): WPALMVEDLI[Pro1207Ser]GTRVGPTLMC